The following is an entry in ClinVar:

GRCh38/hg38 17q25.1(chr17:73851698-74610813)x3

Genes: MGC16275 (uncharacterized protein MGC16275; minus strand), RPL38 (ribosomal protein L38; plus strand), TTYH2 (tweety family member 2; plus strand), BTBD17 (BTB domain containing 17; minus strand), CD300A (CD300a molecule; plus strand) and 38 more. Cytogenetic location: 17q25.1.
Variant type: copy number gain.
Change: copy number 3 (three copies instead of two) of chr17:73,851,698-74,610,813 (759.1 kb, GRCh38 coordinates, 1-based), cytogenetic band 17q25.1.
Identifiers: ClinVar variation 160836 (VCV000160836.1).

ClinVar aggregate classification (germline): Benign (1 of 4 stars; one submission).

Submission:

ISCA site 4
Classification: Benign. Last evaluated: 2011-08-12. Review status: criteria provided, single submitter. Criteria: Kaminsky et al. (Genet Med. 2011). Collection method: clinical testing. Allele origin: unknown. Affected: yes. Observed: 1 variant allele.
Comment: Copy number variation identified through the course of routine clinical cytogenomic testing in postnatal populations. Clinical assertions have been curated as described in Kaminsky et al. 2011.